The following is an entry in ClinVar:

ClinVar aggregate classification (germline): Likely benign. Review status: criteria provided, multiple submitters, no conflicts (2 of 4 stars). 4 submissions from 4 submitters: Likely benign (4). Last evaluated 2026-01-09.

Conditions:
Developmental and epileptic encephalopathy, 25 (DEE25). Also called: Epileptic encephalopathy, early infantile, 25; Developmental and epileptic encephalopathy 25, with amelogenesis imperfecta; Epileptic encephalopathy, early infantile, 25, with amelogenesis imperfecta. Identifiers: Orphanet 442835, MedGen C4014621, MONDO:0014392, OMIM 615905.

Allele frequency attached by ClinVar (database versions not stated): gnomAD 0.00010 and 0.00011; ESP Exome Variant Server 0.00015; TOPMed 0.00019; 1000 Genomes Project 0.00020; 1000 Genomes Project 30x 0.00031.
gnomAD v4.1: 115 of 1,614,028 alleles (0.0071%); highest among the groups gnomAD compares: Middle Eastern, 0.033%; no homozygotes.

Submissions (4):

Labcorp Genetics (formerly Invitae), Labcorp
Classification: Likely benign for Developmental and epileptic encephalopathy, 25. Last evaluated: 2026-01-09. Review status: criteria provided, single submitter. Criteria: Invitae Variant Classification Sherloc (09022015). Collection method: clinical testing. Allele origin: germline.

CeGaT Center for Human Genetics Tuebingen
Classification: Likely benign. Last evaluated: 2024-01-01. Review status: criteria provided, single submitter. Criteria: CeGaT Center For Human Genetics Tuebingen Variant Classification Criteria Version 2. Collection method: clinical testing. Allele origin: germline. Affected: yes. Observed: 2 variant alleles.
Comment: SLC13A5: BP4, BP7

Blueprint Genetics
Classification: Likely benign. Last evaluated: 2023-12-15. Review status: criteria provided, single submitter. Criteria: ACMG Guidelines, 2015. Collection method: clinical testing. Allele origin: germline.

GeneDx
Classification: Likely benign. Last evaluated: 2021-06-24. Review status: criteria provided, single submitter. Criteria: GeneDx Variant Classification Process June 2021. Collection method: clinical testing. Allele origin: germline. Affected: yes.

NM_177550.5(SLC13A5):c.60C>T (p.Thr20=)

Gene: SLC13A5 (solute carrier family 13 member 5; minus strand). Cytogenetic location: 17p13.1.
Variant type: single nucleotide variant.
Coding change: c.60C>T on transcript NM_177550.5 (MANE Select); coding-DNA position 60, C replaced by T.
Protein change: p.Thr20=; no amino-acid change (threonine 20 retained).
Molecular consequence: synonymous variant.
Genome position (GRCh38, 1-based): chr17:6,713,274, G>A on the plus strand (C>T on the coding strand, the complement: SLC13A5 is on the minus strand). VCF-style: chr17-6713274-G-A. GRCh37 (hg19) VCF-style: chr17-6616593-G-A.
Other names: c.60C>T, p.Thr20= (NM_001143838.3, NM_001284509.2, NM_001284510.2).
Identifiers: ClinVar variation 513375 (VCV000513375.38), dbSNP rs141481217, ClinGen allele CA8331892.